The following is an entry in ClinVar:

NM_000083.3(CLCN1):c.2282C>A (p.Ala761Glu)

Gene: CLCN1 (chloride voltage-gated channel 1; plus strand). Cytogenetic location: 7q34.
Variant type: single nucleotide variant.
Coding change: c.2282C>A on transcript NM_000083.3 (MANE Select); coding-DNA position 2282, C replaced by A.
Protein change: p.Ala761Glu; replaces alanine 761 with glutamic acid.
Molecular consequence: missense variant. On other transcripts: non-coding transcript variant (1).
Genome position (GRCh38, 1-based): chr7:143,346,249, C>A. VCF-style: chr7-143346249-C-A. GRCh37 (hg19) VCF-style: chr7-143043342-C-A.
Other names: short protein forms A761E.
Identifiers: ClinVar variation 3752433 (VCV003752433.2).

ClinVar aggregate classification (germline): Uncertain significance (1 of 4 stars; one submission).

Conditions:
Congenital myotonia, autosomal dominant form (THD). Also called: THOMSEN DISEASE; Myotonia congenita autosomal dominant. Identifiers: Orphanet 614, MedGen C2936781, MONDO:0008055, OMIM 160800.
Congenital myotonia, autosomal recessive form. Also called: Becker Generalized Myotonia; myotonia congenita, autosomal recessive; BECKER DISEASE. Identifiers: Orphanet 614, MedGen C0751360, MONDO:0009715, OMIM 255700.

gnomAD v4.1: 1 of 1,602,090 alleles (0.000062%); highest among the groups gnomAD compares: Non-Finnish European, 0.000086%; no homozygotes.

Submission:

Labcorp Genetics (formerly Invitae), Labcorp
Classification: Uncertain significance for Congenital myotonia, autosomal recessive form; Congenital myotonia, autosomal dominant form. Last evaluated: 2024-12-31. Review status: criteria provided, single submitter. Criteria: Invitae Variant Classification Sherloc (09022015). Collection method: clinical testing. Allele origin: germline.
Comment: This sequence change replaces alanine, which is neutral and non-polar, with glutamic acid, which is acidic and polar, at codon 761 of the CLCN1 protein (p.Ala761Glu). This variant is not present in population databases (gnomAD no frequency). This variant has not been reported in the literature in individuals affected with CLCN1-related conditions. An algorithm developed to predict the effect of missense changes on protein structure and function (PolyPhen-2) suggests that this variant is likely to be tolerated. In summary, the available evidence is currently insufficient to determine the role of this variant in disease. Therefore, it has been classified as a Variant of Uncertain Significance.